The following is an entry in ClinVar:

NM_015450.3(POT1):c.1814G>C (p.Cys605Ser)

Gene: POT1 (protection of telomeres 1; minus strand). Cytogenetic location: 7q31.33.
Variant type: single nucleotide variant.
Coding change: c.1814G>C on transcript NM_015450.3 (MANE Select); coding-DNA position 1814, G replaced by C.
Protein change: p.Cys605Ser; replaces cysteine 605 with serine.
Molecular consequence: missense variant. On other transcripts: non-coding transcript variant (3).
Genome position (GRCh38, 1-based): chr7:124,824,053, C>G on the plus strand (G>C on the coding strand, the complement: POT1 is on the minus strand). VCF-style: chr7-124824053-C-G. GRCh37 (hg19) VCF-style: chr7-124464107-C-G.
Other names: c.1421G>C, p.Cys474Ser (NM_001042594.2); short protein forms C605S, C474S.
Identifiers: ClinVar variation 486133 (VCV000486133.18), dbSNP rs766020213, ClinGen allele CA4464961.

ClinVar aggregate classification (germline): Conflicting classifications of pathogenicity. Review status: criteria provided, conflicting classifications (1 of 4 stars). 4 submissions from 4 submitters: Uncertain significance (2); Likely benign (2). Last evaluated 2026-01-19.

Conditions:
Pulmonary fibrosis and/or bone marrow failure syndrome, telomere-related, 8 (PFBMFT8). Identifiers: MedGen C5830496, MONDO:0957263, OMIM 620367.
Tumor predisposition syndrome 3 (TPDS3). Also called: Glioma susceptibility 9; LONG TELOMERE SYNDROME, POT1-RELATED; POT1 Tumor Predisposition; Melanoma, cutaneous malignant, susceptibility to, 10. Identifiers: Orphanet 618, MedGen C4014476, MONDO:0014368, OMIM 615848.
Cerebroretinal microangiopathy with calcifications and cysts 3 (CRMCC3). Identifiers: MedGen C5830497, MONDO:0957264, OMIM 620368.
Hereditary cancer-predisposing syndrome. Also called: Hereditary neoplastic syndrome; Hereditary Cancer Syndrome; Neoplastic Syndromes, Hereditary; Tumor predisposition. Identifiers: Orphanet 140162, MedGen C0027672, MeSH D009386, MONDO:0015356.

Allele frequency attached by ClinVar (database versions not stated): gnomAD 0.00001; TOPMed 0.00002; gnomAD exomes 0.00007; ExAC 0.00008.
gnomAD v4.1: 19 of 1,604,476 alleles (0.0012%); highest among the groups gnomAD compares: East Asian, 0.043%; no homozygotes.

Submissions (4):

Labcorp Genetics (formerly Invitae), Labcorp
Classification: Likely benign for Tumor predisposition syndrome 3. Last evaluated: 2026-01-19. Review status: criteria provided, single submitter. Criteria: Invitae Variant Classification Sherloc (09022015). Collection method: clinical testing. Allele origin: germline.

GeneDx
Classification: Uncertain significance. Last evaluated: 2023-10-03. Review status: criteria provided, single submitter. Criteria: GeneDx Variant Classification Process June 2021. Collection method: clinical testing. Allele origin: germline. Affected: yes.
Comment: In silico analysis supports that this missense variant has a deleterious effect on protein structure/function; Has not been previously published as pathogenic or benign to our knowledge; This variant is associated with the following publications: (PMID: 34343137)

Ambry Genetics
Classification: Likely benign for Hereditary cancer-predisposing syndrome. Last evaluated: 2023-04-27. Review status: criteria provided, single submitter. Criteria: Ambry Variant Classification Scheme 2023. Collection method: clinical testing. Allele origin: germline.

Department of Pathology and Laboratory Medicine, Sinai Health System
Classification: Uncertain significance for Tumor predisposition syndrome 3; Pulmonary fibrosis and/or bone marrow failure syndrome, telomere-related, 8; Cerebroretinal microangiopathy with calcifications and cysts 3. Last evaluated: 2021-07-30. Review status: criteria provided, single submitter. Criteria: ACMG Guidelines, 2015. Collection method: research. Allele origin: germline.